The following is an entry in ClinVar:

NM_004360.5(CDH1):c.1397_1398del (p.Leu466fs)

Gene: CDH1 (cadherin 1; plus strand). Cytogenetic location: 16q22.1.
Variant type: Microsatellite.
Coding change: c.1397_1398del on transcript NM_004360.5 (MANE Select); coding-DNA positions 1397 to 1398, 2 bases deleted (TC; older notation c.1397_1398delTC).
Protein change: p.Leu466fs; shifts the reading frame from leucine 466.
Molecular consequence: frameshift variant. On other transcripts: 5 prime UTR variant (2).
Genome position (GRCh38, 1-based): chr16:68,815,591-68,815,592, TC deleted; deleting any 2 consecutive bases within chr16:68,815,585-68,815,592 gives the same sequence; the c. name uses the placement nearest the transcript's 3' end. VCF-style (leftmost placement, unchanged base first): chr16-68815584-GTC-G. GRCh37 (hg19) VCF-style: chr16-68849487-GTC-G.
Other names: c.1214_1215del, p.Leu405fs (NM_001317184.2); c.-158TC[3] (NM_001317185.2); c.-429TC[3] (NM_001317186.2); short protein forms L405fs, L466fs.
Identifiers: ClinVar variation 629435 (VCV000629435.8), dbSNP rs1597897893, ClinGen allele CA913188763.

ClinVar aggregate classification (germline): Pathogenic. Review status: criteria provided, multiple submitters, no conflicts (2 of 4 stars). 3 submissions from 3 submitters: Pathogenic (3). Last evaluated 2023-06-13.

Conditions:
Hereditary cancer-predisposing syndrome. Also called: Tumor predisposition; Neoplastic Syndromes, Hereditary; Hereditary Cancer Syndrome; Hereditary neoplastic syndrome. Identifiers: Orphanet 140162, MedGen C0027672, MeSH D009386, MONDO:0015356.
Hereditary diffuse gastric adenocarcinoma (HDGC). Also called: DIFFUSE GASTRIC AND LOBULAR BREAST CANCER SYNDROME. Identifiers: Orphanet 26106, MedGen C1708349, MONDO:0007648, OMIM 137215.

Submissions (3):

Myriad Genetics, Inc.
Classification: Pathogenic for Hereditary diffuse gastric adenocarcinoma. Last evaluated: 2023-06-13. Review status: criteria provided, single submitter. Criteria: Myriad Autosomal Dominant, Autosomal Recessive and X-Linked Classification Criteria (2023). Collection method: clinical testing. Allele origin: unknown.
Comment: This variant is considered pathogenic. This variant creates a frameshift predicted to result in premature protein truncation.

Ambry Genetics
Classification: Pathogenic for Hereditary cancer-predisposing syndrome. Last evaluated: 2022-07-07. Review status: criteria provided, single submitter. Criteria: Ambry Variant Classification Scheme 2023. Collection method: clinical testing. Allele origin: germline.
Comment: The c.1397_1398delTC variant, located in coding exon 10 of the CDH1 gene, results from a deletion of two nucleotides at nucleotide positions 1397 to 1398, causing a translational frameshift with a predicted alternate stop codon (p.L466Hfs*16). This alteration has been observed in at least two families with a history of gastric cancer (at least one confirmed diffuse gastric cancer in each family) and breast cancer (Kaurah P et al. JAMA, 2007 Jun;297:2360-72; More H et al. Hum Mutat, 2007 Feb;28:203). This variant is considered to be rare based on population cohorts in the Genome Aggregation Database (gnomAD). Of note, this alteration is also designated as c.1391_1392delTC (p.Leu472HisfsX481) in published literature. This alteration is expected to result in loss of function by premature protein truncation or nonsense-mediated mRNA decay. As such, this alteration is interpreted as a disease-causing mutation.

Color Diagnostics, LLC DBA Color Health
Classification: Pathogenic for Hereditary cancer-predisposing syndrome. Last evaluated: 2020-07-13. Review status: criteria provided, single submitter. Criteria: ACMG Guidelines, 2015. Collection method: clinical testing. Allele origin: germline.
Comment: This variant deletes 2 nucleotides in exon 10 of the CDH1 gene, creating a frameshift and premature translation stop signal. This variant is expected to result in an absent or non-functional protein product. This variant has been reported in individuals affected with diffuse gastric cancer and breast cancer (PMID: 17221870, 17545690, 21271559). This variant has not been identified in the general population by the Genome Aggregation Database (gnomAD). Loss of CDH1 function is a known mechanism of disease. Based on the available evidence, this variant is classified as Pathogenic.

Literature cited by the submitters: PubMed 17221870 (cited by Ambry Genetics); PubMed 17545690 (cited by Ambry Genetics).